The following is an entry in ClinVar:

NM_015378.4(VPS13D):c.947G>A (p.Arg316Gln)

Gene: VPS13D (vacuolar protein sorting 13 homolog D; plus strand). Cytogenetic location: 1p36.22.
Variant type: single nucleotide variant.
Coding change: c.947G>A on transcript NM_015378.4 (MANE Select); coding-DNA position 947, G replaced by A.
Protein change: p.Arg316Gln; replaces arginine 316 with glutamine.
Molecular consequence: missense variant.
Genome position (GRCh38, 1-based): chr1:12,257,940, G>A. VCF-style: chr1-12257940-G-A. GRCh37 (hg19) VCF-style: chr1-12317997-G-A.
Other names: c.947G>A (NM_015378.3); c.947G>A, p.Arg316Gln (NM_018156.4); short protein forms R316Q.
Identifiers: ClinVar variation 3188831 (VCV003188831.3), dbSNP rs200300879, ClinGen allele CA18026680.
Genomic context (GRCh38, chr1:12,257,940, plus strand): 5'-GCCTTTTCGTTGCTTTTGTTGTAAGAAGTGATTACATCGTTATGGACTATTTCAGCTGCC[G>A]AGAATGGTGGTATTTTGCTTTGAATGCTAACTTGTATGAGATCAGAGAGCAGAGGAAACG-3'
Protein context (NP_056193.2, residues 306-326): KPKVAISKNC[Arg316Gln]EWWYFALNAN

ClinVar aggregate classification (germline): Uncertain significance. Review status: criteria provided, multiple submitters, no conflicts (2 of 4 stars). 2 submissions from 2 submitters: Uncertain significance (2). Last evaluated 2026-09-23.

Conditions:
Inborn genetic diseases. Identifiers: MedGen C0950123, MeSH D030342.

Allele frequency attached by ClinVar (database versions not stated): gnomAD exomes below 0.00001; TOPMed 0.00002.
gnomAD v4.1: 5 of 1,614,146 alleles (0.00031%); highest among the groups gnomAD compares: Non-Finnish European, 0.00034%; no homozygotes.

Submissions (2):

GeneDx
Classification: Uncertain significance. Last evaluated: 2026-09-23. Review status: criteria provided, single submitter. Criteria: GeneDx Variant Classification Process June 2021. Collection method: clinical testing. Allele origin: germline.
Comment: Not observed at significant frequency in large population cohorts (gnomAD); In silico analysis supports that this missense variant has a deleterious effect on protein structure/function; Has not been previously published as pathogenic or benign to our knowledge

Ambry Genetics
Classification: Uncertain significance for Inborn genetic diseases. Last evaluated: 2023-12-19. Review status: criteria provided, single submitter. Criteria: Ambry Variant Classification Scheme 2023. Collection method: clinical testing. Allele origin: germline.